The following is an entry in ClinVar:

ClinVar aggregate classification (germline): Uncertain significance. Review status: criteria provided, multiple submitters, no conflicts (2 of 4 stars). 2 submissions from 2 submitters: Uncertain significance (2). Last evaluated 2024-02-28.

Conditions:
Gastrointestinal stromal tumor. Also called: Gastrointestinal stroma tumor; Gastrointestinal stromal tumor, somatic. Identifiers: Orphanet 44890, MedGen C0238198, MeSH D046152, MONDO:0011719, OMIM 606764, HP:0100723.
Pheochromocytoma/paraganglioma syndrome 4. Also called: SDHB-Related Hereditary Paraganglioma-Pheochromocytoma Syndrome (Paragangliomas 4); Paragangliomas 4; SDHB-Related Hereditary Paraganglioma-Pheochromocytoma Syndrome; CAROTID BODY TUMORS AND MULTIPLE EXTRAADRENAL PHEOCHROMOCYTOMAS; PARAGANGLIOMA, FAMILIAL MALIGNANT; PARAGANGLIOMAS, HEREDITARY EXTRAADRENAL. Identifiers: Orphanet 29072, MedGen C1861848, MONDO:0007273, OMIM 115310.
Pheochromocytoma. Also called: MAX-Related Hereditary Paraganglioma-Pheochromocytoma Syndrome. Identifiers: Orphanet 29072, MedGen C0031511, MONDO:0008233, OMIM 171300, HP:0002666.
Hereditary cancer-predisposing syndrome. Also called: Tumor predisposition; Hereditary Cancer Syndrome; Neoplastic Syndromes, Hereditary; Hereditary neoplastic syndrome. Identifiers: Orphanet 140162, MedGen C0027672, MeSH D009386, MONDO:0015356.

Allele frequency attached by ClinVar (database versions not stated): TOPMed below 0.00001.

Submissions (2):

Ambry Genetics
Classification: Uncertain significance for Hereditary cancer-predisposing syndrome. Last evaluated: 2024-02-28. Review status: criteria provided, single submitter. Criteria: Ambry Variant Classification Scheme 2023. Collection method: clinical testing. Allele origin: germline.
Comment: The p.T227K variant (also known as c.680C>A), located in coding exon 7 of the SDHB gene, results from a C to A substitution at nucleotide position 680. The threonine at codon 227 is replaced by lysine, an amino acid with similar properties. This amino acid position is conserved. In addition, this alteration is predicted to be deleterious by in silico analysis. Based on the available evidence, the clinical significance of this alteration remains unclear.

Labcorp Genetics (formerly Invitae), Labcorp
Classification: Uncertain significance for Gastrointestinal stromal tumor; Pheochromocytoma/paraganglioma syndrome 4; Pheochromocytoma. Last evaluated: 2021-04-17. Review status: criteria provided, single submitter. Criteria: Invitae Variant Classification Sherloc (09022015). Collection method: clinical testing. Allele origin: germline.
Comment: In summary, the available evidence is currently insufficient to determine the role of this variant in disease. Therefore, it has been classified as a Variant of Uncertain Significance. Advanced modeling of protein sequence and biophysical properties (such as structural, functional, and spatial information, amino acid conservation, physicochemical variation, residue mobility, and thermodynamic stability) performed at Invitae indicates that this missense variant is not expected to disrupt SDHB protein function. This variant has not been reported in the literature in individuals with SDHB-related conditions. This variant is not present in population databases (ExAC no frequency). This sequence change replaces threonine with lysine at codon 227 of the SDHB protein (p.Thr227Lys). The threonine residue is highly conserved and there is a moderate physicochemical difference between threonine and lysine.

NM_003000.3(SDHB):c.680C>A (p.Thr227Lys)

Gene: SDHB (succinate dehydrogenase complex iron sulfur subunit B; minus strand). Cytogenetic location: 1p36.13.
Variant type: single nucleotide variant.
Coding change: c.680C>A on transcript NM_003000.3 (MANE Select); coding-DNA position 680, C replaced by A.
Protein change: p.Thr227Lys; replaces threonine 227 with lysine.
Molecular consequence: missense variant.
Genome position (GRCh38, 1-based): chr1:17,022,693, G>T on the plus strand (C>A on the coding strand, the complement: SDHB is on the minus strand). VCF-style: chr1-17022693-G-T. GRCh37 (hg19) VCF-style: chr1-17349188-G-T.
Other names: c.680C>A (NM_003000.2); short protein forms T227K.
Identifiers: ClinVar variation 1346105 (VCV001346105.9), dbSNP rs1486615365, ClinGen allele CA338270378.